The following is an entry in ClinVar:

ClinVar aggregate classification (germline): Conflicting classifications of pathogenicity. Review status: criteria provided, conflicting classifications (1 of 4 stars). 3 submissions from 3 submitters: Uncertain significance (2); Likely benign (1). Last evaluated 2024-12-11.

Submissions (3):

Quest Diagnostics Nichols Institute San Juan Capistrano
Classification: Likely benign. Last evaluated: 2024-12-11. Review status: criteria provided, single submitter. Criteria: Quest Diagnostics criteria. Collection method: clinical testing. Allele origin: unknown.

Ambry Genetics
Classification: Uncertain significance. Last evaluated: 2023-10-05. Review status: criteria provided, single submitter. Criteria: Ambry Variant Classification Scheme 2023. Collection method: clinical testing. Allele origin: germline.
Comment: The c.140_141insCGGCGC variant (also known as p.G46_A47dup), located in coding exon 1 of the GALNT12 gene, results from an in-frame CGGCGC insertion at nucleotide positions 140 to 141. This results in the insertion of 2 extra residues between codons 46 and 47. This amino acid region is poorly conserved on limited sequence alignment. In addition, this alteration is predicted to be neutral by in silico analysis (Choi Y et al. PLoS ONE. 2012; 7(10):e46688). The evidence for this gene-disease relationship is limited; therefore, the clinical significance of this alteration is unclear.

Labcorp Genetics (formerly Invitae), Labcorp
Classification: Uncertain significance. Last evaluated: 2023-04-28. Review status: criteria provided, single submitter. Criteria: Invitae Variant Classification Sherloc (09022015). Collection method: clinical testing. Allele origin: germline.
Comment: This variant has not been reported in the literature in individuals affected with GALNT12-related conditions. In summary, the available evidence is currently insufficient to determine the role of this variant in disease. Therefore, it has been classified as a Variant of Uncertain Significance. ClinVar contains an entry for this variant (Variation ID: 819114). This variant is present in population databases (no rsID available, gnomAD 0.007%). This variant, c.140_141insCGGCGC, results in the insertion of 2 amino acid(s) of the GALNT12 protein (p.Gly46_Ala47dup), but otherwise preserves the integrity of the reading frame.

NM_024642.5(GALNT12):c.140_141insCGGCGC (p.42_43GA[4])

Gene: GALNT12 (polypeptide N-acetylgalactosaminyltransferase 12; plus strand). Cytogenetic location: 9q22.33.
Variant type: Insertion.
Coding change: c.140_141insCGGCGC on transcript NM_024642.5 (MANE Select); coding-DNA positions 140 to 141, CGGCGC inserted.
Protein change: p.42_43GA[4].
Molecular consequence: inframe insertion.
Genome position: GRCh38 VCF-style: chr9-98807836-G-GGCCGGC. GRCh37 (hg19) VCF-style: chr9-101570118-G-GGCCGGC.
Identifiers: ClinVar variation 819114 (VCV000819114.10), dbSNP rs1238412781, ClinGen allele CA589582961.
Genomic context (GRCh38, chr9:98,807,836, plus strand): 5'-GCTACTGGCGTTGGCCGGGCTGGGCTCGGTGCTGCGGGCGCAGCGTGGGGCCGGGGCCGG[G>GGCCGGC]GCTGCCGAGCCGGGACCCCCGCGCACCCCGCGCCCCGGGCGGCGCGAGCCGGTCATGCCG-3'